The following is an entry in ClinVar:

ClinVar aggregate classification (germline): Uncertain significance (1 of 4 stars; one submission).

Conditions:
Hereditary cancer-predisposing syndrome. Also called: Tumor predisposition; Neoplastic Syndromes, Hereditary; Hereditary neoplastic syndrome; Hereditary Cancer Syndrome. Identifiers: Orphanet 140162, MedGen C0027672, MeSH D009386, MONDO:0015356.

Submission:

Ambry Genetics
Classification: Uncertain significance for Hereditary cancer-predisposing syndrome. Last evaluated: 2024-07-24. Review status: criteria provided, single submitter. Criteria: Ambry Variant Classification Scheme 2023. Collection method: clinical testing. Allele origin: germline.
Comment: The p.D104E variant (also known as c.312T>G), located in coding exon 3 of the SMARCB1 gene, results from a T to G substitution at nucleotide position 312. The aspartic acid at codon 104 is replaced by glutamic acid, an amino acid with highly similar properties. This amino acid position is conserved. In addition, the in silico prediction for this alteration is inconclusive. Based on the available evidence, the clinical significance of this variant remains unclear.

NM_003073.5(SMARCB1):c.312T>G (p.Asp104Glu)

Gene: SMARCB1 (SWI/SNF related BAF chromatin remodeling complex subunit B1; plus strand). Cytogenetic location: 22q11.23.
Variant type: single nucleotide variant.
Coding change: c.312T>G on transcript NM_003073.5 (MANE Select); coding-DNA position 312, T replaced by G.
Protein change: p.Asp104Glu; replaces aspartic acid 104 with glutamic acid.
Molecular consequence: missense variant.
Genome position (GRCh38, 1-based): chr22:23,793,638, T>G. VCF-style: chr22-23793638-T-G. GRCh37 (hg19) VCF-style: chr22-24135825-T-G.
Other names: c.285T>G, p.Asp95Glu (NM_001007468.3, NM_001317946.2); c.312T>G, p.Asp104Glu (NM_001362877.2); short protein forms D95E, D104E.
Identifiers: ClinVar variation 3446074 (VCV003446074.1).